The following is an entry in ClinVar:

ClinVar aggregate classification (germline): Likely pathogenic. Review status: criteria provided, multiple submitters, no conflicts (2 of 4 stars). 2 submissions from 2 submitters: Likely pathogenic (2). Last evaluated 2016-11-03.

Conditions:
Diamond-Blackfan anemia. Also called: Blackfan Diamond syndrome; Aregenerative anemia chronic congenital; Red cell aplasia, pure hereditary; Congenital hypoplastic anemia; Aase syndrome. Identifiers: Orphanet 124, MedGen C1260899, MeSH D029503, MONDO:0015253, HP:0004810.

Submissions (2):

Ambry Genetics
Classification: Likely pathogenic for Diamond-Blackfan anemia. Last evaluated: 2016-11-03. Review status: criteria provided, single submitter. Criteria: Ambry Variant Classification Scheme 2023. Collection method: clinical testing. Allele origin: germline.
Comment: The c.338_340delTGG pathogenic mutation (also known as p.V113DEL) is located in coding exon 3 of the RPS19 gene. This pathogenic mutation results from an in-frame TGG deletion at nucleotide positions 338 to 340. This results in the in-frame deletion of a valine at codon 113. This variant was not reported in population based cohorts in the following databases: Database of Single Nucleotide Polymorphisms (dbSNP), NHLBI Exome Sequencing Project (ESP), and 1000 Genomes Project. In the ESP, this variant was not observed in 6503 samples (13006 alleles) with coverage at this position. This amino acid position is highly conserved in available mammal species. Based on the majority of available evidence to date, this variant is likely to be pathogenic.

GeneDx
Classification: Likely pathogenic. Last evaluated: 2016-03-05. Review status: criteria provided, single submitter. Criteria: GeneDx Variant Classification (06012015). Collection method: clinical testing. Allele origin: germline. Affected: yes.
Comment: The c.338_340delTGG variant in the RPS19 gene has not been reported previously as a pathogenic variant nor as a benign variant, to our knowledge. The c.338_340delTGG variant causes an in-frame deletion of one amino acid, Valine 113, denoted p.Val113del. This deletion occurs at a position where amino acids with similar properties to Valine are tolerated across species. The c.338_340delTGG variant was not observed in approximately 6500 individuals of European and African American ancestry in the NHLBI Exome Sequencing Project, indicating it is not a common benign variant in these populations. The c.338_340delTGG variant is a strong candidate for a pathogenic variant; however, the possibility it may be a rare benign variant cannot be excluded.

NM_001022.4(RPS19):c.335TGG[1] (p.Val113del)

Genes: RPS19 (ribosomal protein S19; plus strand), RPS19-CD79A (RPS19-CD79A readthrough; plus strand). Cytogenetic location: 19q13.2.
Variant type: Microsatellite.
Coding change: c.335TGG[1] on transcript NM_001022.4 (MANE Select); one copy of the 3-base unit TGG starting at c.335; the reference has two copies in a row; one copy, 3 bases deleted.
Protein change: p.Val113del; deletes valine 113.
Molecular consequence: inframe deletion.
Genome position (GRCh38, 1-based): chr19:41,869,196-41,869,198, TGG deleted; deleting any 3 consecutive bases within chr19:41,869,193-41,869,198 gives the same sequence; the position shown is the placement nearest the transcript's 3' end. VCF-style (leftmost placement, unchanged base first): chr19-41869192-ATGG-A. GRCh37 (hg19) VCF-style: chr19-42373262-ATGG-A.
Other names: c.335TGG[1], p.Val113del (NM_001321483.2, NM_001321484.2); c.348TGG[1], p.Gly118del (NM_001321485.2); short protein forms V113del, G118del.
Identifiers: ClinVar variation 420637 (VCV000420637.4), dbSNP rs1064794604, ClinGen allele CA16620855.